The following is an entry in ClinVar:

ClinVar aggregate classification (germline): Likely benign (1 of 4 stars; one submission).

Allele frequency attached by ClinVar (database versions not stated): gnomAD exomes 0.00002; TOPMed 0.00002; ExAC 0.00008.

Submission:

GeneDx
Classification: Likely benign. Last evaluated: 2017-02-01. Review status: criteria provided, single submitter. Criteria: GeneDx Variant Classification (06012015). Collection method: clinical testing. Allele origin: germline. Affected: yes.
Comment: This variant is considered likely benign or benign based on one or more of the following criteria: it is a conservative change, it occurs at a poorly conserved position in the protein, it is predicted to be benign by multiple in silico algorithms, and/or has population frequency not consistent with disease.

NM_006348.3(COG5):c.-50C>A

Genes: COG5 (component of oligomeric golgi complex 5; minus strand), DUS4L (dihydrouridine synthase 4 like; plus strand), DUS4L-BCAP29 (DUS4L-BCAP29 readthrough; plus strand). Cytogenetic location: 7q22.3.
Variant type: single nucleotide variant.
Coding change: c.-50C>A on transcript NM_006348.3; 50 bases upstream of the start codon, C replaced by A.
Molecular consequence: 5 prime UTR variant (on NM_181581.3). On other transcripts: non-coding transcript variant (7).
Genome position (GRCh38, 1-based): chr7:107,564,039, G>T on the plus strand (C>A on the coding strand, the complement: COG5 is on the minus strand). VCF-style: chr7-107564039-G-T. GRCh37 (hg19) VCF-style: chr7-107204484-G-T.
Other names: c.-131G>T (NM_001270419.2); c.-281G>T (NM_181581.3, NM_001371364.2, NM_001371366.2); c.-319G>T (NM_001371365.2); c.-192G>T (NM_001371367.2).
Identifiers: ClinVar variation 507009 (VCV000507009.3), dbSNP rs112962480, ClinGen allele CA4431638.
Genomic context (GRCh38, chr7:107,564,039, plus strand): 5'-ACCCAGCCCATGGCTCCAGGCCCACCTGGCGAACTGACTCTCAGCCCGCGCCTGGGCTAA[G>T]CCTGGCTAGGAGCCGCGCAGGTACTCGAGCAGTGGGCGCCCAGGGTCCGAGTGCTCTGCG-3'